The following is an entry in ClinVar:

NM_001365999.1(SZT2):c.754C>G (p.Pro252Ala)

Gene: SZT2 (SZT2 subunit of KICSTOR complex; plus strand). Cytogenetic location: 1p34.2.
Variant type: single nucleotide variant.
Coding change: c.754C>G on transcript NM_001365999.1 (MANE Select); coding-DNA position 754, C replaced by G.
Protein change: p.Pro252Ala; replaces proline 252 with alanine.
Molecular consequence: missense variant.
Genome position (GRCh38, 1-based): chr1:43,416,083, C>G. VCF-style: chr1-43416083-C-G. GRCh37 (hg19) VCF-style: chr1-43881754-C-G.
Other names: c.754C>G, p.Pro252Ala (NM_015284.4); short protein forms P252A.
Identifiers: ClinVar variation 4742235 (VCV004742235.1).
Genomic context (GRCh38, chr1:43,416,083, plus strand): 5'-ACAGCTGATCTTGGGCTGGTCAGTATGATTCGTCAGGGCATCTTGGCACTGCAGTTACTA[C>G]CCTCGAACTCTAGTGCAGGTCAGTAGAAGGAATATTGGTGGGACTGGGGAAGCAGGGATA-3'
Protein context (NP_001352928.1, residues 242-262): RQGILALQLL[Pro252Ala]SNSSAGIIVI

ClinVar aggregate classification (germline): Uncertain significance (1 of 4 stars; one submission).

Submission:

Labcorp Genetics (formerly Invitae), Labcorp
Classification: Uncertain significance. Last evaluated: 2025-09-20. Review status: criteria provided, single submitter. Criteria: Invitae Variant Classification Sherloc (09022015). Collection method: clinical testing. Allele origin: germline.
Comment: This sequence change replaces proline, which is neutral and non-polar, with alanine, which is neutral and non-polar, at codon 252 of the SZT2 protein (p.Pro252Ala). This variant is not present in population databases (gnomAD no frequency). This variant has not been reported in the literature in individuals affected with SZT2-related conditions. Invitae Evidence Modeling of protein sequence and biophysical properties (such as structural, functional, and spatial information, amino acid conservation, physicochemical variation, residue mobility, and thermodynamic stability) indicates that this missense variant is not expected to disrupt SZT2 protein function with a negative predictive value of 80%. In summary, the available evidence is currently insufficient to determine the role of this variant in disease. Therefore, it has been classified as a Variant of Uncertain Significance.